The following is an entry in ClinVar:

ClinVar aggregate classification (germline): Uncertain significance (0 of 4 stars; one submission).

Conditions:
NRP2-related disorder. Also called: NRP2-related condition.

gnomAD v4.1: 6 of 1,613,726 alleles (0.00037%); highest among the groups gnomAD compares: Middle Eastern, 0.016%; no homozygotes.

Submission:

PreventionGenetics, part of Exact Sciences
Classification: Uncertain significance for NRP2-related condition. Last evaluated: 2023-11-29. Review status: no assertion criteria provided. Collection method: clinical testing. Allele origin: germline.
Comment: The NRP2 c.1708T>C variant is predicted to result in the amino acid substitution p.Tyr570His. To our knowledge, this variant has not been reported in the literature. This variant is reported in 0.0026% of alleles in individuals of European (Non-Finnish) descent in gnomAD. At this time, the clinical significance of this variant is uncertain due to the absence of conclusive functional and genetic evidence.

NM_003872.3(NRP2):c.1708T>C (p.Tyr570His)

Gene: NRP2 (neuropilin 2; plus strand). Cytogenetic location: 2q33.3.
Variant type: single nucleotide variant.
Coding change: c.1708T>C on transcript NM_003872.3 (MANE Select); coding-DNA position 1708, T replaced by C.
Protein change: p.Tyr570His; replaces tyrosine 570 with histidine.
Molecular consequence: missense variant.
Genome position (GRCh38, 1-based): chr2:205,745,812, T>C. VCF-style: chr2-205745812-T-C. GRCh37 (hg19) VCF-style: chr2-206610536-T-C.
Other names: c.1708T>C, p.Tyr570His (NM_018534.4, NM_201266.2, NM_201267.2 and 1 more transcripts); short protein forms Y570H.
Identifiers: ClinVar variation 3348610 (VCV003348610.1).